The following is an entry in ClinVar:

NM_001100.4(ACTA1):c.407T>C (p.Val136Ala)

Gene: ACTA1 (actin alpha 1, skeletal muscle; minus strand). Cytogenetic location: 1q42.13.
Variant type: single nucleotide variant.
Coding change: c.407T>C on transcript NM_001100.4 (MANE Select); coding-DNA position 407, T replaced by C.
Protein change: p.Val136Ala; replaces valine 136 with alanine.
Molecular consequence: missense variant.
Genome position (GRCh38, 1-based): chr1:229,432,603, A>G on the plus strand (T>C on the coding strand, the complement: ACTA1 is on the minus strand). VCF-style: chr1-229432603-A-G. GRCh37 (hg19) VCF-style: chr1-229568350-A-G.
Other names: short protein forms V136A.
Identifiers: ClinVar variation 2203000 (VCV002203000.4), dbSNP rs2527438910, ClinGen allele CA345149309.

ClinVar aggregate classification (germline): Uncertain significance (1 of 4 stars; one submission).

Conditions:
Actin accumulation myopathy (CMYO2A). Also called: CONGENITAL MYOPATHY 2A, TYPICAL, AUTOSOMAL DOMINANT; Nemaline myopathy type 3; Myopathy, actin, congenital, with excess of thin myofilaments; Myopathy, actin, congenital, with cores; Nemaline myopathy 3, with intranuclear rods. Identifiers: Orphanet 98904, MedGen C3711389, MONDO:0008070, OMIM 161800.

Submission:

Labcorp Genetics (formerly Invitae), Labcorp
Classification: Uncertain significance for Actin accumulation myopathy. Last evaluated: 2022-10-19. Review status: criteria provided, single submitter. Criteria: Invitae Variant Classification Sherloc (09022015). Collection method: clinical testing. Allele origin: germline.
Comment: Advanced modeling of protein sequence and biophysical properties (such as structural, functional, and spatial information, amino acid conservation, physicochemical variation, residue mobility, and thermodynamic stability) performed at Invitae indicates that this missense variant is not expected to disrupt ACTA1 protein function. In summary, the available evidence is currently insufficient to determine the role of this variant in disease. Therefore, it has been classified as a Variant of Uncertain Significance. This variant is also known as Val134Ala. This missense change has been observed in individual(s) with clinical features of ACTA1-related conditions (PMID: 12921789). This variant is not present in population databases (gnomAD no frequency). This sequence change replaces valine, which is neutral and non-polar, with alanine, which is neutral and non-polar, at codon 136 of the ACTA1 protein (p.Val136Ala).

Literature cited by the submitters: PubMed 12921789.